The following is an entry in ClinVar:

NC_000022.11:g.20354671C>T

Variant type: single nucleotide variant.
Genome position: GRCh38 VCF-style: chr22-20354671-C-T. GRCh37 (hg19) VCF-style: chr22-20708961-C-T.
Identifiers: ClinVar variation 4280849 (VCV004280849.7).

ClinVar aggregate classification (germline): Likely benign (1 of 4 stars; one submission).

Submission:

CeGaT Center for Human Genetics Tuebingen
Classification: Likely benign. Last evaluated: 2025-09-01. Review status: criteria provided, single submitter. Criteria: CeGaT Center For Human Genetics Tuebingen Variant Classification Criteria Version 2. Collection method: clinical testing. Allele origin: germline. Affected: yes. Observed: 1 variant allele.
Comment: FAM230A: BP4, BP7